The following is an entry in ClinVar:

ClinVar aggregate classification (germline): Uncertain significance (1 of 4 stars; one submission).

Conditions:
Glycine encephalopathy. Also called: Nonketotic hyperglycinemia; Non-ketotic hyperglycinemia. Identifiers: Orphanet 407, MedGen C0751748, MONDO:0011612, HP:0008288.

Allele frequency attached by ClinVar (database versions not stated): gnomAD exomes below 0.00001.
gnomAD v4.1: 5 of 1,607,740 alleles (0.00031%); highest among the groups gnomAD compares: Non-Finnish European, 0.00043%; no homozygotes.

Submission:

Labcorp Genetics (formerly Invitae), Labcorp
Classification: Uncertain significance for Non-ketotic hyperglycinemia. Last evaluated: 2019-11-16. Review status: criteria provided, single submitter. Criteria: Invitae Variant Classification Sherloc (09022015). Collection method: clinical testing. Allele origin: germline.
Comment: This sequence change replaces arginine with cysteine at codon 51 of the GCSH protein (p.Arg51Cys). The arginine residue is moderately conserved and there is a large physicochemical difference between arginine and cysteine. This variant is not present in population databases (ExAC no frequency). This variant has not been reported in the literature in individuals with GCSH-related conditions. Algorithms developed to predict the effect of missense changes on protein structure and function are either unavailable or do not agree on the potential impact of this missense change (SIFT: "Deleterious"; PolyPhen-2: "Benign"; Align-GVGD: "Class C15"). In summary, the available evidence is currently insufficient to determine the role of this variant in disease. Therefore, it has been classified as a Variant of Uncertain Significance.

NM_004483.5(GCSH):c.151C>T (p.Arg51Cys)

Gene: GCSH (glycine cleavage system protein H; minus strand). Cytogenetic location: 16q23.2.
Variant type: single nucleotide variant.
Coding change: c.151C>T on transcript NM_004483.5 (MANE Select); coding-DNA position 151, C replaced by T.
Protein change: p.Arg51Cys; replaces arginine 51 with cysteine.
Molecular consequence: missense variant. On other transcripts: non-coding transcript variant (1).
Genome position (GRCh38, 1-based): chr16:81,090,678, G>A on the plus strand (C>T on the coding strand, the complement: GCSH is on the minus strand). VCF-style: chr16-81090678-G-A. GRCh37 (hg19) VCF-style: chr16-81124283-G-A.
Other names: short protein forms R51C.
Identifiers: ClinVar variation 962205 (VCV000962205.1), dbSNP rs1972380968, ClinGen allele CA396888482.